The following is an entry in ClinVar:

NM_001378452.1(ITPR1):c.7654C>T (p.Arg2552Trp)

Genes: ITPR1 (inositol 1,4,5-trisphosphate receptor type 1; plus strand), LOC126806590 (MED14-independent group 3 enhancer GRCh37_chr3:4855759-4856958; plus strand). Cytogenetic location: 3p26.1.
Variant type: single nucleotide variant.
Coding change: c.7654C>T on transcript NM_001378452.1 (MANE Select); coding-DNA position 7654, C replaced by T.
Protein change: p.Arg2552Trp; replaces arginine 2552 with tryptophan.
Molecular consequence: missense variant.
Genome position (GRCh38, 1-based): chr3:4,814,515, C>T. VCF-style: chr3-4814515-C-T. GRCh37 (hg19) VCF-style: chr3-4856199-C-T.
Other names: c.7510C>T, p.Arg2504Trp (NM_001099952.4); c.7609C>T, p.Arg2537Trp (NM_001168272.2); c.7465C>T, p.Arg2489Trp (NM_002222.7); short protein forms R2537W, R2489W, R2552W, R2504W.
Identifiers: ClinVar variation 1470967 (VCV001470967.6), dbSNP rs2106492982, ClinGen allele CA351649077.

ClinVar aggregate classification (germline): Uncertain significance (1 of 4 stars; one submission).

Allele frequency attached by ClinVar (database versions not stated): gnomAD exomes below 0.00001.
gnomAD v4.1: 2 of 1,579,550 alleles (0.00013%); highest among the groups gnomAD compares: Non-Finnish European, 0.00017%; no homozygotes.

Submission:

Labcorp Genetics (formerly Invitae), Labcorp
Classification: Uncertain significance. Last evaluated: 2022-08-23. Review status: criteria provided, single submitter. Criteria: Invitae Variant Classification Sherloc (09022015). Collection method: clinical testing. Allele origin: germline.
Comment: This variant is not present in population databases (gnomAD no frequency). This variant has not been reported in the literature in individuals affected with ITPR1-related conditions. ClinVar contains an entry for this variant (Variation ID: 1470967). Algorithms developed to predict the effect of missense changes on protein structure and function are either unavailable or do not agree on the potential impact of this missense change (SIFT: "Deleterious"; PolyPhen-2: "Probably Damaging"; Align-GVGD: "Class C0"). In summary, the available evidence is currently insufficient to determine the role of this variant in disease. Therefore, it has been classified as a Variant of Uncertain Significance. This sequence change replaces arginine, which is basic and polar, with tryptophan, which is neutral and slightly polar, at codon 2489 of the ITPR1 protein (p.Arg2489Trp).